The following is an entry in ClinVar:

NM_000179.3(MSH6):c.3913C>T (p.Leu1305Phe)

Gene: MSH6 (mutS homolog 6; plus strand). Cytogenetic location: 2p16.3.
Variant type: single nucleotide variant.
Coding change: c.3913C>T on transcript NM_000179.3 (MANE Select); coding-DNA position 3913, C replaced by T.
Protein change: p.Leu1305Phe; replaces leucine 1305 with phenylalanine.
Molecular consequence: missense variant.
Genome position (GRCh38, 1-based): chr2:47,806,563, C>T. VCF-style: chr2-47806563-C-T. GRCh37 (hg19) VCF-style: chr2-48033702-C-T.
Other names: c.3523C>T, p.Leu1175Phe (NM_001281492.2); c.3007C>T, p.Leu1003Phe (NM_001281493.2, NM_001281494.2); short protein forms L1003F, L1175F, L1305F.
Identifiers: ClinVar variation 936968 (VCV000936968.13), dbSNP rs1670120604, ClinGen allele CA346761446.

ClinVar aggregate classification (germline): Uncertain significance. Review status: criteria provided, multiple submitters, no conflicts (2 of 4 stars). 2 submissions from 2 submitters: Uncertain significance (2). Last evaluated 2025-08-25.

Conditions:
Hereditary nonpolyposis colorectal neoplasms. Identifiers: MedGen C0009405, MeSH D003123.
Hereditary cancer-predisposing syndrome. Also called: Tumor predisposition; Hereditary neoplastic syndrome; Hereditary Cancer Syndrome; Neoplastic Syndromes, Hereditary. Identifiers: Orphanet 140162, MedGen C0027672, MeSH D009386, MONDO:0015356.

Allele frequency attached by ClinVar (database versions not stated): gnomAD 0.00001.
gnomAD v4.1: 1 of 1,613,592 alleles (0.000062%); highest among the groups gnomAD compares: Admixed American, 0.0017%; no homozygotes.

Submissions (2):

Labcorp Genetics (formerly Invitae), Labcorp
Classification: Uncertain significance for Hereditary nonpolyposis colorectal neoplasms. Last evaluated: 2025-08-25. Review status: criteria provided, single submitter. Criteria: Invitae Variant Classification Sherloc (09022015). Collection method: clinical testing. Allele origin: germline.
Comment: This sequence change replaces leucine, which is neutral and non-polar, with phenylalanine, which is neutral and non-polar, at codon 1305 of the MSH6 protein (p.Leu1305Phe). This variant is not present in population databases (gnomAD no frequency). This variant has not been reported in the literature in individuals affected with MSH6-related conditions. ClinVar contains an entry for this variant (Variation ID: 936968). Invitae Evidence Modeling of protein sequence and biophysical properties (such as structural, functional, and spatial information, amino acid conservation, physicochemical variation, residue mobility, and thermodynamic stability) has been performed for this missense variant. However, the output from this modeling did not meet the statistical confidence thresholds required to predict the impact of this variant on MSH6 protein function. In summary, the available evidence is currently insufficient to determine the role of this variant in disease. Therefore, it has been classified as a Variant of Uncertain Significance.

Ambry Genetics
Classification: Uncertain significance for Hereditary cancer-predisposing syndrome. Last evaluated: 2025-05-19. Review status: criteria provided, single submitter. Criteria: Ambry Variant Classification Scheme 2023. Collection method: clinical testing. Allele origin: germline.
Comment: The p.L1305F variant (also known as c.3913C>T), located in coding exon 9 of the MSH6 gene, results from a C to T substitution at nucleotide position 3913. The leucine at codon 1305 is replaced by phenylalanine, an amino acid with highly similar properties. This amino acid position is highly conserved in available vertebrate species. In addition, this alteration is predicted to be deleterious by in silico analysis. Based on the available evidence, the clinical significance of this variant remains unclear.